The following is an entry in ClinVar:

ClinVar aggregate classification (germline): Likely benign (1 of 4 stars; one submission).

Allele frequency attached by ClinVar (database versions not stated): 1000 Genomes Project 0.00140; 1000 Genomes Project 30x 0.00156; ESP Exome Variant Server 0.00344; gnomAD 0.00344; ExAC 0.00412; gnomAD exomes 0.00489; TOPMed 0.00501.
gnomAD v4.1: 7,762 of 1,611,554 alleles (0.48%); highest among the groups gnomAD compares: Non-Finnish European, 0.55%; 47 homozygotes.

Submissions (5):

CeGaT Center for Human Genetics Tuebingen
Classification: Likely benign. Last evaluated: 2023-03-01. Review status: criteria provided, single submitter. Criteria: CeGaT Center For Human Genetics Tuebingen Variant Classification Criteria Version 2. Collection method: clinical testing. Allele origin: germline. Affected: yes. Observed: 1 variant allele.
Comment: DRAXIN: BP4, BS2

Dr. Peter K. Rogan Lab, Western University
No classification provided (evidence only). Condition: Colon adenocarcinoma. Review status: no classification provided. Collection method: in vitro. Allele origin: not applicable. Functional consequence: retained intron. Not counted in ClinVar's aggregate classification.

Dr. Peter K. Rogan Lab, Western University
No classification provided (evidence only). Condition: Nonpapillary renal cell carcinoma. Review status: no classification provided. Collection method: in vitro. Allele origin: not applicable. Functional consequence: retained intron. Not counted in ClinVar's aggregate classification.

Dr. Peter K. Rogan Lab, Western University
No classification provided (evidence only). Condition: Malignant tumor of urinary bladder. Review status: no classification provided. Collection method: in vitro. Allele origin: not applicable. Functional consequence: retained intron. Not counted in ClinVar's aggregate classification.

Dr. Peter K. Rogan Lab, Western University
No classification provided (evidence only). Condition: Familial cancer of breast. Review status: no classification provided. Collection method: in vitro. Allele origin: not applicable. Functional consequence: retained intron. Not counted in ClinVar's aggregate classification.

NM_198545.4(DRAXIN):c.178C>T (p.Arg60Trp)

Gene: DRAXIN (dorsal inhibitory axon guidance protein; plus strand). Cytogenetic location: 1p36.22.
Variant type: single nucleotide variant.
Coding change: c.178C>T on transcript NM_198545.4 (MANE Select); coding-DNA position 178, C replaced by T.
Protein change: p.Arg60Trp; replaces arginine 60 with tryptophan.
Molecular consequence: missense variant.
Genome position (GRCh38, 1-based): chr1:11,706,436, C>T. VCF-style: chr1-11706436-C-T. GRCh37 (hg19) VCF-style: chr1-11766493-C-T.
Other names: NC_000001.10:g.11766493C>T; short protein forms R60W.
Identifiers: ClinVar variation 2638238 (VCV002638238.25), dbSNP rs202026446, ClinGen allele CA594001.